The following is an entry in ClinVar:

ClinVar aggregate classification (germline): Benign. Review status: criteria provided, multiple submitters, no conflicts (2 of 4 stars). 3 submissions from 3 submitters: Benign (3). Last evaluated 2021-07-14.

Conditions:
Hypokalemic periodic paralysis, type 1. Also called: HypoPP; Hypokalemic Periodic Paralysis Type 1 (AD). Identifiers: Orphanet 681, MedGen C3714580, MONDO:0042979, OMIM 170400.

Allele frequency attached by ClinVar (database versions not stated): gnomAD 0.42137 and 0.43907; TOPMed 0.42871; gnomAD exomes 0.45221; 1000 Genomes Project 30x 0.57698; 1000 Genomes Project 0.59125.

Submissions (3):

Genome-Nilou Lab
Classification: Benign for Hypokalemic periodic paralysis, type 1. Last evaluated: 2021-07-14. Review status: criteria provided, single submitter. Criteria: ACMG Guidelines, 2015. Collection method: clinical testing. Allele origin: germline. Affected: no.

GeneDx
Classification: Benign. Last evaluated: 2018-06-18. Review status: criteria provided, single submitter. Criteria: GeneDx Variant Classification (06012015). Collection method: clinical testing. Allele origin: germline. Affected: yes.
Comment: This variant is considered likely benign or benign based on one or more of the following criteria: it is a conservative change, it occurs at a poorly conserved position in the protein, it is predicted to be benign by multiple in silico algorithms, and/or has population frequency not consistent with disease.

Breakthrough Genomics
Classification: Benign. Review status: criteria provided, single submitter. Criteria: ACMG Guidelines, 2015. Collection method: not provided. Allele origin: germline. Inheritance: Autosomal dominant inheritance. Affected: yes.

NM_000069.3(CACNA1S):c.2157+59C>T

Gene: CACNA1S (calcium voltage-gated channel subunit alpha1 S; minus strand). Cytogenetic location: 1q32.1.
Variant type: single nucleotide variant.
Coding change: c.2157+59C>T on transcript NM_000069.3 (MANE Select); 59 bases into the intron after coding-DNA position 2157, C replaced by T.
Molecular consequence: intron variant.
Genome position (GRCh38, 1-based): chr1:201,073,490, G>A on the plus strand (C>T on the coding strand, the complement: CACNA1S is on the minus strand). VCF-style: chr1-201073490-G-A. GRCh37 (hg19) VCF-style: chr1-201042618-G-A.
Identifiers: ClinVar variation 678298 (VCV000678298.5), dbSNP rs9333652, ClinGen allele CA15136414.
Genomic context (GRCh38, chr1:201,073,490, plus strand): 5'-CCTGGCTGATAACTCTCCTACCTCCCCACCCTACCCCACCTGTACCCTGTGGTATGAAGG[G>A]AACCATGGATTGGAAGAGCCCCTAGACTGCCTCTAACATCCCCACCTGAGGTGCTCACCT-3'